The following is an entry in ClinVar:

ClinVar aggregate classification (germline): Uncertain significance (1 of 4 stars; one submission).

Allele frequency attached by ClinVar (database versions not stated): gnomAD exomes 0.00001.
gnomAD v4.1: 14 of 1,604,844 alleles (0.00087%); highest among the groups gnomAD compares: Non-Finnish European, 0.0012%; no homozygotes.

Submission:

Ambry Genetics
Classification: Uncertain significance. Last evaluated: 2025-04-07. Review status: criteria provided, single submitter. Criteria: Ambry Variant Classification Scheme 2023. Collection method: clinical testing. Allele origin: germline.
Comment: The p.G1425R variant (also known as c.4273G>A), located in coding exon 19 of the WNK2 gene, results from a G to A substitution at nucleotide position 4273. The glycine at codon 1425 is replaced by arginine, an amino acid with dissimilar properties. This amino acid position is conserved. In addition, this alteration is predicted to be tolerated by in silico analysis. Based on the available evidence, the clinical significance of this variant remains unclear.

NM_006648.4(WNK2):c.4273G>A (p.Gly1425Arg)

Gene: WNK2 (WNK lysine deficient protein kinase 2; plus strand). Cytogenetic location: 9q22.31.
Variant type: single nucleotide variant.
Coding change: c.4273G>A on transcript NM_006648.4 (MANE Select); coding-DNA position 4273, G replaced by A.
Protein change: p.Gly1425Arg; replaces glycine 1425 with arginine.
Molecular consequence: missense variant.
Genome position (GRCh38, 1-based): chr9:93,289,027, G>A. VCF-style: chr9-93289027-G-A. GRCh37 (hg19) VCF-style: chr9-96051309-G-A.
Other names: c.4384G>A, p.Gly1462Arg (NM_001282394.3); short protein forms G1462R, G1425R.
Identifiers: ClinVar variation 2298526 (VCV002298526.3), dbSNP rs1324530625, ClinGen allele CA374069082.
Genomic context (GRCh38, chr9:93,289,027, plus strand): 5'-ACCATGCCAGAGCCAGCGTCAGGAACTGCCAGCCAGGCAGGGGGTCCAGGGACACCTCAG[G>A]GGCTGACCAGTGAGCTCGAGACGTCTCAGCCACTAGCGGAGACTCACGAGGCCCCGCTTG-3'
Protein context (NP_006639.3, residues 1415-1435): SQAGGPGTPQ[Gly1425Arg]LTSELETSQP